The following is an entry in ClinVar:

ClinVar aggregate classification (germline): Uncertain significance. Review status: criteria provided, multiple submitters, no conflicts (2 of 4 stars). 3 submissions from 3 submitters: Uncertain significance (3). Last evaluated 2023-12-09.

Conditions:
Inborn genetic diseases. Identifiers: MedGen C0950123, MeSH D030342.

Allele frequency attached by ClinVar (database versions not stated): gnomAD 0.00001; TOPMed 0.00001; gnomAD exomes 0.00004 and 0.00009; ExAC 0.00016.
gnomAD v4.1: 54 of 1,614,044 alleles (0.0033%); highest among the groups gnomAD compares: Non-Finnish European, 0.0044%; no homozygotes.

Submissions (3):

Ambry Genetics
Classification: Uncertain significance for Inborn genetic diseases. Last evaluated: 2023-12-09. Review status: criteria provided, single submitter. Criteria: Ambry Variant Classification Scheme 2023. Collection method: clinical testing. Allele origin: germline.

Labcorp Genetics (formerly Invitae), Labcorp
Classification: Uncertain significance. Last evaluated: 2022-01-06. Review status: criteria provided, single submitter. Criteria: Invitae Variant Classification Sherloc (09022015). Collection method: clinical testing. Allele origin: germline.
Comment: In summary, the available evidence is currently insufficient to determine the role of this variant in disease. Therefore, it has been classified as a Variant of Uncertain Significance. Algorithms developed to predict the effect of missense changes on protein structure and function (SIFT, PolyPhen-2, Align-GVGD) all suggest that this variant is likely to be disruptive. This variant has not been reported in the literature in individuals affected with CNNM4-related conditions. This variant is present in population databases (rs752941116, gnomAD 0.02%). This sequence change replaces isoleucine, which is neutral and non-polar, with threonine, which is neutral and polar, at codon 421 of the CNNM4 protein (p.Ile421Thr).

Blueprint Genetics
Classification: Uncertain significance. Last evaluated: 2021-08-18. Review status: criteria provided, single submitter. Criteria: ACMG Guidelines, 2015. Collection method: clinical testing. Allele origin: germline.

NM_020184.4(CNNM4):c.1262T>C (p.Ile421Thr)

Gene: CNNM4 (cyclin and CBS domain divalent metal cation transport mediator 4; plus strand). Cytogenetic location: 2q11.2.
Variant type: single nucleotide variant.
Coding change: c.1262T>C on transcript NM_020184.4 (MANE Select); coding-DNA position 1262, T replaced by C.
Protein change: p.Ile421Thr; replaces isoleucine 421 with threonine.
Molecular consequence: missense variant.
Genome position (GRCh38, 1-based): chr2:96,762,261, T>C. VCF-style: chr2-96762261-T-C. GRCh37 (hg19) VCF-style: chr2-97427998-T-C.
Other names: c.1262T>C (NM_020184.3); short protein forms I421T.
Identifiers: ClinVar variation 1481552 (VCV001481552.10), dbSNP rs752941116, ClinGen allele CA1783312.